The following is an entry in ClinVar:

NM_006017.3(PROM1):c.1036A>G (p.Asn346Asp)

Gene: PROM1 (prominin 1; minus strand). Cytogenetic location: 4p15.32.
Variant type: single nucleotide variant.
Coding change: c.1036A>G on transcript NM_006017.3 (MANE Select); coding-DNA position 1036, A replaced by G.
Protein change: p.Asn346Asp; replaces asparagine 346 with aspartic acid.
Molecular consequence: missense variant.
Genome position (GRCh38, 1-based): chr4:16,016,207, T>C on the plus strand (A>G on the coding strand, the complement: PROM1 is on the minus strand). VCF-style: chr4-16016207-T-C. GRCh37 (hg19) VCF-style: chr4-16017830-T-C.
Other names: c.1009A>G, p.Asn337Asp (NM_001145847.2, NM_001145848.2, NM_001145851.2 and 4 more transcripts); c.1036A>G, p.Asn346Asp (NM_001145849.2, NM_001145850.2); short protein forms N337D, N346D.
Identifiers: ClinVar variation 864624 (VCV000864624.13), dbSNP rs1414948996, ClinGen allele CA356416713.

ClinVar aggregate classification (germline): Uncertain significance. Review status: criteria provided, multiple submitters, no conflicts (2 of 4 stars). 5 submissions from 2 submitters: Uncertain significance (5). Last evaluated 2022-01-17.

Conditions:
Retinal macular dystrophy type 2 (MCDR2). Also called: Bull's eye macular dystrophy. Identifiers: Orphanet 319640, MedGen C4749334, MONDO:0011957, OMIM 608051.
Cone-rod dystrophy 12 (CORD12). Identifiers: Orphanet 1872, MedGen C2675210, MONDO:0012983, OMIM 612657.
Stargardt disease 4 (STGD4). Identifiers: Orphanet 827, MedGen C1863534, MONDO:0011370, OMIM 603786.
Retinitis pigmentosa (RP). Identifiers: Orphanet 791, MedGen C0035334, MeSH D012174, MONDO:0019200, OMIM 268000. Inheritance: Autosomal dominant, autosomal recessive and X linked inheritance.

Submissions (5):

Labcorp Genetics (formerly Invitae), Labcorp
Classification: Uncertain significance. Last evaluated: 2022-01-17. Review status: criteria provided, single submitter. Criteria: Invitae Variant Classification Sherloc (09022015). Collection method: clinical testing. Allele origin: germline.
Comment: In summary, the available evidence is currently insufficient to determine the role of this variant in disease. Therefore, it has been classified as a Variant of Uncertain Significance. Algorithms developed to predict the effect of missense changes on protein structure and function output the following: SIFT: "Tolerated"; PolyPhen-2: "Benign"; Align-GVGD: "Class C0". The aspartic acid amino acid residue is found in multiple mammalian species, which suggests that this missense change does not adversely affect protein function. ClinVar contains an entry for this variant (Variation ID: 864624). This variant has not been reported in the literature in individuals affected with PROM1-related conditions. This variant is not present in population databases (gnomAD no frequency). This sequence change replaces asparagine, which is neutral and polar, with aspartic acid, which is acidic and polar, at codon 346 of the PROM1 protein (p.Asn346Asp).

Illumina Laboratory Services, Illumina
Classification: Uncertain significance for Retinal macular dystrophy type 2. Last evaluated: 2018-01-12. Review status: criteria provided, single submitter. Criteria: ICSL Variant Classification Criteria 13 December 2019. Collection method: clinical testing. Allele origin: germline.

Illumina Laboratory Services, Illumina
Classification: Uncertain significance for Cone-rod dystrophy 12. Last evaluated: 2018-01-12. Review status: criteria provided, single submitter. Criteria: ICSL Variant Classification Criteria 13 December 2019. Collection method: clinical testing. Allele origin: germline.

Illumina Laboratory Services, Illumina
Classification: Uncertain significance for Retinitis pigmentosa. Last evaluated: 2018-01-12. Review status: criteria provided, single submitter. Criteria: ICSL Variant Classification Criteria 13 December 2019. Collection method: clinical testing. Allele origin: germline.

Illumina Laboratory Services, Illumina
Classification: Uncertain significance for Stargardt disease 4. Last evaluated: 2018-01-12. Review status: criteria provided, single submitter. Criteria: ICSL Variant Classification Criteria 13 December 2019. Collection method: clinical testing. Allele origin: germline.